The following is an entry in ClinVar:

ClinVar aggregate classification (germline): Uncertain significance (0 of 4 stars; one submission).

Conditions:
ARHGAP24-related disorder. Also called: ARHGAP24-related condition.

Submission:

PreventionGenetics, part of Exact Sciences
Classification: Uncertain significance for ARHGAP24-related condition. Last evaluated: 2024-03-07. Review status: no assertion criteria provided. Collection method: clinical testing. Allele origin: germline.
Comment: The ARHGAP24 c.996T>G variant is predicted to result in the amino acid substitution p.Asp332Glu. To our knowledge, this variant has not been reported in the literature or in a large population database, indicating this variant is rare. At this time, the clinical significance of this variant is uncertain due to the absence of conclusive functional and genetic evidence.

NM_001025616.3(ARHGAP24):c.996T>G (p.Asp332Glu)

Gene: ARHGAP24 (Rho GTPase activating protein 24; plus strand). Cytogenetic location: 4q21.23.
Variant type: single nucleotide variant.
Coding change: c.996T>G on transcript NM_001025616.3 (MANE Select); coding-DNA position 996, T replaced by G.
Protein change: p.Asp332Glu; replaces aspartic acid 332 with glutamic acid.
Molecular consequence: missense variant.
Genome position (GRCh38, 1-based): chr4:85,994,650, T>G. VCF-style: chr4-85994650-T-G. GRCh37 (hg19) VCF-style: chr4-86915803-T-G.
Other names: c.711T>G, p.Asp237Glu (NM_001042669.2); c.741T>G, p.Asp247Glu (NM_001287805.2); c.417T>G, p.Asp139Glu (NM_001346093.2); c.717T>G, p.Asp239Glu (NM_031305.3); short protein forms D139E, D237E, D239E, D247E, D332E.
Identifiers: ClinVar variation 3348667 (VCV003348667.1).
Genomic context (GRCh38, chr4:85,994,650, plus strand): 5'-GGTGGTCCAGCAGTTGATGTCAGTGATGATTAGCAAACATGATTGCCTCTTTCCCAAAGA[T>G]GCAGAACTACAAAGCAAGCCCCAAGATGGAGTGAGCAACAACAATGAAATTCAGAAGAAA-3'
Protein context (NP_001020787.2, residues 322-342): ISKHDCLFPK[Asp332Glu]AELQSKPQDG